The following is an entry in ClinVar:

ClinVar aggregate classification (germline): Uncertain significance (1 of 4 stars; one submission).

Conditions:
Neutrophil immunodeficiency syndrome. Also called: Immunodeficiency 73A with defective neutrophil chemotaxis and leukocytosis. Identifiers: Orphanet 183707, MedGen C1842398, MONDO:0011988, OMIM 608203.

Submission:

Labcorp Genetics (formerly Invitae), Labcorp
Classification: Uncertain significance for Neutrophil immunodeficiency syndrome. Last evaluated: 2024-03-18. Review status: criteria provided, single submitter. Criteria: Invitae Variant Classification Sherloc (09022015). Collection method: clinical testing. Allele origin: germline.
Comment: This sequence change replaces alanine, which is neutral and non-polar, with serine, which is neutral and polar, at codon 135 of the RAC2 protein (p.Ala135Ser). This variant is not present in population databases (gnomAD no frequency). This variant has not been reported in the literature in individuals affected with RAC2-related conditions. Advanced modeling of protein sequence and biophysical properties (such as structural, functional, and spatial information, amino acid conservation, physicochemical variation, residue mobility, and thermodynamic stability) performed at Invitae indicates that this missense variant is not expected to disrupt RAC2 protein function with a negative predictive value of 95%. In summary, the available evidence is currently insufficient to determine the role of this variant in disease. Therefore, it has been classified as a Variant of Uncertain Significance.

NM_002872.5(RAC2):c.403G>T (p.Ala135Ser)

Gene: RAC2 (Rac family small GTPase 2; minus strand). Cytogenetic location: 22q13.1.
Variant type: single nucleotide variant.
Coding change: c.403G>T on transcript NM_002872.5 (MANE Select); coding-DNA position 403, G replaced by T.
Protein change: p.Ala135Ser; replaces alanine 135 with serine.
Molecular consequence: missense variant.
Genome position (GRCh38, 1-based): chr22:37,231,276, C>A on the plus strand (G>T on the coding strand, the complement: RAC2 is on the minus strand). VCF-style: chr22-37231276-C-A. GRCh37 (hg19) VCF-style: chr22-37627316-C-A.
Other names: short protein forms A135S.
Identifiers: ClinVar variation 3637785 (VCV003637785.2).